The following is an entry in ClinVar:

ClinVar aggregate classification (germline): Uncertain significance (1 of 4 stars; one submission).

Conditions:
Familial cancer of breast. Also called: BREAST CANCER, FAMILIAL; Hereditary breast cancer; hereditary breast carcinoma. Identifiers: Orphanet 227535, MedGen C0346153, MONDO:0016419, OMIM 114480. Disease mechanism: loss of function.
Fanconi anemia complementation group J. Also called: BRIP1-Related Fanconi Anemia. Identifiers: Orphanet 84, MedGen C1836860, MONDO:0012187, OMIM 609054.

Submission:

Labcorp Genetics (formerly Invitae), Labcorp
Classification: Uncertain significance for Familial cancer of breast; Fanconi anemia complementation group J. Last evaluated: 2019-09-09. Review status: criteria provided, single submitter. Criteria: Invitae Variant Classification Sherloc (09022015). Collection method: clinical testing. Allele origin: germline.
Comment: In summary, the available evidence is currently insufficient to determine the role of this variant in disease. Therefore, it has been classified as a Variant of Uncertain Significance. Algorithms developed to predict the effect of missense changes on protein structure and function (SIFT, PolyPhen-2, Align-GVGD) all suggest that this variant is likely to be disruptive, but these predictions have not been confirmed by published functional studies and their clinical significance is uncertain. This variant has not been reported in the literature in individuals with BRIP1-related conditions. This variant is not present in population databases (ExAC no frequency). This sequence change replaces tyrosine with cysteine at codon 268 of the BRIP1 protein (p.Tyr268Cys). The tyrosine residue is highly conserved and there is a large physicochemical difference between tyrosine and cysteine.

NM_032043.3(BRIP1):c.803A>G (p.Tyr268Cys)

Gene: BRIP1 (BRCA1 interacting DNA helicase 1; minus strand). Cytogenetic location: 17q23.2.
Variant type: single nucleotide variant.
Coding change: c.803A>G on transcript NM_032043.3 (MANE Select); coding-DNA position 803, A replaced by G.
Protein change: p.Tyr268Cys; replaces tyrosine 268 with cysteine.
Molecular consequence: missense variant.
Genome position (GRCh38, 1-based): chr17:61,808,582, T>C on the plus strand (A>G on the coding strand, the complement: BRIP1 is on the minus strand). VCF-style: chr17-61808582-T-C. GRCh37 (hg19) VCF-style: chr17-59885943-T-C.
Other names: short protein forms Y268C.
Identifiers: ClinVar variation 942152 (VCV000942152.10), dbSNP rs2078110465, ClinGen allele CA400484883.